The following is an entry in ClinVar:

NM_001060.6(TBXA2R):c.163G>C (p.Gly55Arg)

Gene: TBXA2R (thromboxane A2 receptor; minus strand). Cytogenetic location: 19p13.3.
Variant type: single nucleotide variant.
Coding change: c.163G>C on transcript NM_001060.6 (MANE Select); coding-DNA position 163, G replaced by C.
Protein change: p.Gly55Arg; replaces glycine 55 with arginine.
Molecular consequence: missense variant.
Genome position (GRCh38, 1-based): chr19:3,600,472, C>G on the plus strand (G>C on the coding strand, the complement: TBXA2R is on the minus strand). VCF-style: chr19-3600472-C-G. GRCh37 (hg19) VCF-style: chr19-3600470-C-G.
Other names: c.163G>C, p.Gly55Arg (NM_201636.3); short protein forms G55R.
Identifiers: ClinVar variation 3637361 (VCV003637361.2).

ClinVar aggregate classification (germline): Uncertain significance (1 of 4 stars; one submission).

gnomAD v4.1: 3 of 1,612,710 alleles (0.00019%); highest among the groups gnomAD compares: Non-Finnish European, 0.000085%; no homozygotes.

Submission:

Labcorp Genetics (formerly Invitae), Labcorp
Classification: Uncertain significance. Last evaluated: 2025-01-08. Review status: criteria provided, single submitter. Criteria: Invitae Variant Classification Sherloc (09022015). Collection method: clinical testing. Allele origin: germline.
Comment: This sequence change replaces glycine, which is neutral and non-polar, with arginine, which is basic and polar, at codon 55 of the TBXA2R protein (p.Gly55Arg). This variant is present in population databases (rs778068953, gnomAD 0.005%). This variant has not been reported in the literature in individuals affected with TBXA2R-related conditions. An algorithm developed to predict the effect of missense changes on protein structure and function (PolyPhen-2) suggests that this variant is likely to be disruptive. In summary, the available evidence is currently insufficient to determine the role of this variant in disease. Therefore, it has been classified as a Variant of Uncertain Significance.